The following is an entry in ClinVar:

ClinVar aggregate classification (germline): Uncertain significance. Review status: criteria provided, multiple submitters, no conflicts (2 of 4 stars). 2 submissions from 2 submitters: Uncertain significance (2). Last evaluated 2024-01-14.

Conditions:
Hereditary cancer-predisposing syndrome. Also called: Tumor predisposition; Hereditary neoplastic syndrome; Neoplastic Syndromes, Hereditary; Hereditary Cancer Syndrome. Identifiers: Orphanet 140162, MedGen C0027672, MeSH D009386, MONDO:0015356.
Mitochondrial complex II deficiency, nuclear type 1. Also called: SUCCINATE CoQ REDUCTASE DEFICIENCY. Identifiers: Orphanet 3208, MedGen C5700310, MONDO:0100294, OMIM 252011.
Pheochromocytoma/paraganglioma syndrome 5. Also called: Paragangliomas 5; SDHA-Related Hereditary Paraganglioma-Pheochromocytoma Syndrome. Identifiers: Orphanet 29072, MedGen C3279992, MONDO:0013602, OMIM 614165.

Allele frequency attached by ClinVar (database versions not stated): TOPMed below 0.00001.

Submissions (2):

Ambry Genetics
Classification: Uncertain significance for Hereditary cancer-predisposing syndrome. Last evaluated: 2024-01-14. Review status: criteria provided, single submitter. Criteria: Ambry Variant Classification Scheme 2023. Collection method: clinical testing. Allele origin: germline.
Comment: The p.I300M variant (also known as c.900A>G), located in coding exon 8 of the SDHA gene, results from an A to G substitution at nucleotide position 900. The isoleucine at codon 300 is replaced by methionine, an amino acid with highly similar properties. This amino acid position is conserved. In addition, the in silico prediction for this alteration is inconclusive. Since supporting evidence is limited at this time, the clinical significance of this alteration remains unclear.

Labcorp Genetics (formerly Invitae), Labcorp
Classification: Uncertain significance for Pheochromocytoma/paraganglioma syndrome 5; Mitochondrial complex II deficiency, nuclear type 1. Last evaluated: 2020-07-19. Review status: criteria provided, single submitter. Criteria: Invitae Variant Classification Sherloc (09022015). Collection method: clinical testing. Allele origin: germline.
Comment: This sequence change replaces isoleucine with methionine at codon 300 of the SDHA protein (p.Ile300Met). The isoleucine residue is highly conserved and there is a small physicochemical difference between isoleucine and methionine. This variant is not present in population databases (ExAC no frequency). This variant has not been reported in the literature in individuals with SDHA-related conditions. Algorithms developed to predict the effect of missense changes on protein structure and function are either unavailable or do not agree on the potential impact of this missense change (SIFT: "Deleterious"; PolyPhen-2: "Possibly Damaging"; Align-GVGD: "Class C0"). Algorithms developed to predict the effect of sequence changes on RNA splicing suggest that this variant may create or strengthen a splice site, but this prediction has not been confirmed by published transcriptional studies. In summary, the available evidence is currently insufficient to determine the role of this variant in disease. Therefore, it has been classified as a Variant of Uncertain Significance.

NM_004168.4(SDHA):c.900A>G (p.Ile300Met)

Gene: SDHA (succinate dehydrogenase complex flavoprotein subunit A; plus strand). Cytogenetic location: 5p15.33.
Variant type: single nucleotide variant.
Coding change: c.900A>G on transcript NM_004168.4 (MANE Select); coding-DNA position 900, A replaced by G.
Protein change: p.Ile300Met; replaces isoleucine 300 with methionine.
Molecular consequence: missense variant.
Genome position (GRCh38, 1-based): chr5:233,481, A>G. VCF-style: chr5-233481-A-G. GRCh37 (hg19) VCF-style: chr5-233596-A-G.
Other names: c.756A>G, p.Ile252Met (NM_001294332.2); c.900A>G, p.Ile300Met (NM_001330758.2); c.900A>G (NM_004168.2); short protein forms I252M, I300M.
Identifiers: ClinVar variation 1015228 (VCV001015228.10), dbSNP rs1735543603, ClinGen allele CA359012514.
Genomic context (GRCh38, chr5:233,481, plus strand): 5'-ATTTGAAATAGAGATCTAGCAATTGTTAGGTAATAAATATGTGTGGTTTTTTGCAGGCAT[A>G]TATGGTGCTGGTTGTCTCATTACGGAAGGATGTCGTGGAGAGGGAGGCATTCTCATTAAC-3'
Protein context (NP_004159.2, residues 290-310): LEFVQFHPTG[Ile300Met]YGAGCLITEG